The following is an entry in ClinVar:

NM_004211.5(SLC6A5):c.2239-2A>G

Gene: SLC6A5 (solute carrier family 6 member 5; plus strand). Cytogenetic location: 11p15.1.
Variant type: single nucleotide variant.
Coding change: c.2239-2A>G on transcript NM_004211.5 (MANE Select); the canonical splice acceptor site of the intron before coding-DNA position 2239, A replaced by G.
Molecular consequence: splice acceptor variant.
Genome position (GRCh38, 1-based): chr11:20,654,711, A>G. VCF-style: chr11-20654711-A-G. GRCh37 (hg19) VCF-style: chr11-20676257-A-G.
Other names: c.1537-2A>G (NM_001318369.2).
Identifiers: ClinVar variation 4778678 (VCV004778678.1).

ClinVar aggregate classification (germline): Uncertain significance (1 of 4 stars; one submission).

Conditions:
Hyperekplexia 3 (HKPX3). Also called: HYPEREKPLEXIA 3, AUTOSOMAL RECESSIVE; HYPEREKPLEXIA 3, AUTOSOMAL DOMINANT. Identifiers: Orphanet 3197, MedGen C3553288, MONDO:0013827, OMIM 614618.

Submission:

Labcorp Genetics (formerly Invitae), Labcorp
Classification: Uncertain significance for Hyperekplexia 3. Last evaluated: 2026-01-19. Review status: criteria provided, single submitter. Criteria: Invitae Variant Classification Sherloc (09022015). Collection method: clinical testing. Allele origin: germline.
Comment: This sequence change affects an acceptor splice site in intron 15 of the SLC6A5 gene. While this variant is not anticipated to result in nonsense mediated decay, it likely alters RNA splicing and results in a disrupted protein product. This variant is not present in population databases (gnomAD no frequency). This variant has not been reported in the literature in individuals affected with SLC6A5-related conditions. Variants that disrupt the consensus splice site are a relatively common cause of aberrant splicing (PMID: 17576681, 9536098). Algorithms developed to predict the effect of sequence changes on RNA splicing suggest that this variant may disrupt the consensus splice site. In summary, the available evidence is currently insufficient to determine the role of this variant in disease. Therefore, it has been classified as a Variant of Uncertain Significance.

Literature cited by the submitters: PubMed 17576681; PubMed 9536098.